The following is an entry in ClinVar:

NM_000448.3(RAG1):c.1211G>A (p.Arg404Gln)

Gene: RAG1 (recombination activating 1; plus strand). Cytogenetic location: 11p12.
Variant type: single nucleotide variant.
Coding change: c.1211G>A on transcript NM_000448.3 (MANE Select); coding-DNA position 1211, G replaced by A.
Protein change: p.Arg404Gln; replaces arginine 404 with glutamine.
Molecular consequence: missense variant.
Genome position (GRCh38, 1-based): chr11:36,574,515, G>A. VCF-style: chr11-36574515-G-A. GRCh37 (hg19) VCF-style: chr11-36596065-G-A.
Other names: NM_000448.3(RAG1):c.1211G>A; p.Arg404Gln; c.1211G>A (NM_000448.2); c.1211G>A, p.Arg404Gln (NM_001377277.1, NM_001377278.1, NM_001377279.1 and 1 more transcripts); short protein forms R404Q.
Identifiers: ClinVar variation 1072413 (VCV001072413.23), dbSNP rs750055861, ClinGen allele CA5950114.

ClinVar aggregate classification (germline): Pathogenic. Review status: reviewed by expert panel (3 of 4 stars). 12 submissions from 12 submitters: Pathogenic (1). 11 of the submissions do not count toward it. Last evaluated 2026-04-12.

Conditions:
RAG1-related disorder. Also called: RAG1-related condition; RAG1-related disorders.
Combined immunodeficiency due to partial RAG1 deficiency. Identifiers: Orphanet 231154, MedGen C1835931, MONDO:0012359, OMIM 609889.
Severe combined immunodeficiency disease. Also called: Severe combined immunodeficiency; Severe Combined Immune Deficiency. Identifiers: Orphanet 183660, MedGen C0085110, MeSH D016511, MONDO:0015974, HP:0004430. Inheritance: X-Linked or Autosomal recessive.
Recombinase activating gene 1 deficiency. Identifiers: MedGen CN375631, MONDO:0000572.
Combined immunodeficiency with skin granulomas. Identifiers: Orphanet 157949, MedGen C2673536, MONDO:0009306, OMIM 233650.
Severe combined immunodeficiency, autosomal recessive, T cell-negative, B cell-negative, NK cell-positive. Also called: SCID, T CELL-NEGATIVE, B CELL-NEGATIVE, NK CELL-POSITIVE; Severe combined immunodeficiency due to complete RAG1/2 deficiency; SCID, AR, T-cell negative, B-cell negative, NK cell-positive. Identifiers: Orphanet 331206, MedGen C1832322, MONDO:0011086, OMIM 601457.
Histiocytic medullary reticulosis. Also called: SEVERE COMBINED IMMUNODEFICIENCY WITH HYPEREOSINOPHILIA; Omenn syndrome. Identifiers: Orphanet 39041, MedGen C2700553, MONDO:0011338, OMIM 603554.

Allele frequency attached by ClinVar (database versions not stated): ExAC 0.00001; gnomAD exomes 0.00001 and 0.00002; TOPMed 0.00001.
gnomAD v4.1: 31 of 1,614,228 alleles (0.0019%); highest among the groups gnomAD compares: Non-Finnish European, 0.0025%; no homozygotes.

Submissions (12):

ClinGen Severe Combined Immunodeficiency Variant Curation Expert Panel, ClinGen
Classification: Pathogenic for Recombinase activating gene 1 deficiency. Last evaluated: 2026-04-12. Review status: reviewed by expert panel. Criteria: ClinGen SCID ACMG Specifications RAG1 V2.1.0. Collection method: curation. Allele origin: germline. Inheritance: Autosomal recessive inheritance.
Comment: The NM_000448.3:c.1211G>A variant in RAG1 is a missense variant predicted to cause substitution of Arginine by Glutamine at amino acid 404 (p.Arg404Gln). The Grpmax Filtering allele frequency of this variant is 0.00001803 in gnomAD v4.1.0, which is lower than the ClinGen SCID-VCEP threshold (< 0.000102) for PM2, therefore, PM2_supporting is met. No homozygotes has been observed. This variant is located in the NBD domain (amino acid 394-460) of the RAG1 protein, which is critical to the protein function (PM1). Additionally, this variant has been observed in the compound heterozygous state with other RAG1 variants in three patients diagnosed with OS or atypical SCID (PMID: 28769923 , 16960852, 32655540). The accompanying variants are c.1186C>T (p.Arg396Cys), c.322C>A (p.Arg108Ter), and c.1681C>T (p.Arg561Cys). The first two variants have been classified as pathogenic by the SCID VCEP (2 points), while the third has not been curated. In total 4.5 points were assigned, meeting PM3_Very Strong criterion. The variant was identified whole genome sequencing (0.5 point; PMID: 24985406). In total 1.5 points were assigned, meeting the PP4 criterion. An in vitro V(D)J recombination activity assay showed that the variant retains 1.2 +/- 0.1% of wild type activity, supporting a damaging effect on the protein (PS3_Moderate, PMID: 32655540). In summary, this variant meets the criteria to be classified as a Pathogenic variant for autosomal recessive severe combined immunodeficiency due to RAG1 deficiency based on the ACMG/AMP criteria applied, as specified by the ClinGen SCID VCEP: PM3_Very Strong, PM1, PS3_Moderate, PM2_supporting, PP4 (VCEP specifications version 2.1.0).

Women's Health and Genetics/Laboratory Corporation of America, LabCorp
Classification: Pathogenic for Severe combined immunodeficiency disease. Last evaluated: 2025-06-13. Review status: criteria provided, single submitter. Criteria: LabCorp Variant Classification Summary - May 2015. Collection method: clinical testing. Allele origin: germline. Not counted in ClinVar's aggregate classification.
Comment: Variant summary: RAG1 c.1211G>A (p.Arg404Gln) results in a conservative amino acid change in the encoded protein sequence. Algorithms developed to predict the effect of missense changes on protein structure and function are either unavailable or do not agree on the potential impact of this missense change. The variant allele was found at a frequency of 1.2e-05 in 250808 control chromosomes. c.1211G>A has been observed in individual(s) affected with Severe Combined Immunodeficiency (example, Hedayat_2014, Hedayat_2014). These data indicate that the variant is likely to be associated with disease. A different variant affecting the same codon has been classified as pathogenic by our lab (c.1210C>T, p.Arg404Trp), supporting the critical relevance of codon 404 to RAG1 protein function. At least one publication reports experimental evidence evaluating an impact on protein function. The most pronounced variant effect results in almost diminished normal VDJ recombination activity (Schuetz_2023). The following publications have been ascertained in the context of this evaluation (PMID: 24985406, 12200379, 36279417). ClinVar contains an entry for this variant (Variation ID: 1072413). Based on the evidence outlined above, the variant was classified as pathogenic.

Labcorp Genetics (formerly Invitae), Labcorp
Classification: Pathogenic for Combined immunodeficiency with skin granulomas; Severe combined immunodeficiency, autosomal recessive, T cell-negative, B cell-negative, NK cell-positive. Last evaluated: 2024-12-29. Review status: criteria provided, single submitter. Criteria: Invitae Variant Classification Sherloc (09022015). Collection method: clinical testing. Allele origin: germline. Not counted in ClinVar's aggregate classification.
Comment: This sequence change replaces arginine, which is basic and polar, with glutamine, which is neutral and polar, at codon 404 of the RAG1 protein (p.Arg404Gln). This variant is present in population databases (rs750055861, gnomAD 0.003%). This missense change has been observed in individuals with severe combined immunodeficiency (PMID: 12200379, 24290284, 24985406). This variant is also known as G1323A. ClinVar contains an entry for this variant (Variation ID: 1072413). Invitae Evidence Modeling of protein sequence and biophysical properties (such as structural, functional, and spatial information, amino acid conservation, physicochemical variation, residue mobility, and thermodynamic stability) has been performed for this missense variant. However, the output from this modeling did not meet the statistical confidence thresholds required to predict the impact of this variant on RAG1 protein function. Experimental studies have shown that this missense change affects RAG1 function (PMID: 12200379, 28783691). This variant disrupts the p.Arg404 amino acid residue in RAG1. Other variant(s) that disrupt this residue have been determined to be pathogenic (PMID: 2682973, 11313270). This suggests that this residue is clinically significant, and that variants that disrupt this residue are likely to be disease-causing. For these reasons, this variant has been classified as Pathogenic.

Fulgent Genetics
Classification: Pathogenic for Combined immunodeficiency with skin granulomas; Severe combined immunodeficiency, autosomal recessive, T cell-negative, B cell-negative, NK cell-positive; Histiocytic medullary reticulosis; Combined immunodeficiency due to partial RAG1 deficiency. Last evaluated: 2024-06-04. Review status: criteria provided, single submitter. Criteria: ACMG Guidelines, 2015. Collection method: clinical testing. Allele origin: germline. Not counted in ClinVar's aggregate classification.

Baylor Genetics
Classification: Pathogenic for Combined immunodeficiency due to partial RAG1 deficiency. Last evaluated: 2024-03-16. Review status: criteria provided, single submitter. Criteria: ACMG Guidelines, 2015. Collection method: clinical testing. Allele origin: unknown. Not counted in ClinVar's aggregate classification.

Revvity Omics, Revvity
Classification: Pathogenic. Last evaluated: 2022-09-09. Review status: criteria provided, single submitter. Criteria: ACMG Guidelines, 2015. Collection method: clinical testing. Allele origin: germline. Not counted in ClinVar's aggregate classification.

Blueprint Genetics
Classification: Pathogenic for RAG1-related disorders. Last evaluated: 2021-09-26. Review status: criteria provided, single submitter. Criteria: ACMG Guidelines, 2015. Collection method: clinical testing. Allele origin: germline. Affected: yes. Observed: 3 variant alleles. Not counted in ClinVar's aggregate classification.

Clinical Genetics DNA and cytogenetics Diagnostics Lab, Erasmus MC, Erasmus Medical Center
Classification: Pathogenic. Review status: no assertion criteria provided. Collection method: clinical testing. Allele origin: germline. Affected: yes. Study: VKGL Data-share Consensus. Not counted in ClinVar's aggregate classification.

Diagnostic Laboratory, Department of Genetics, University Medical Center Groningen
Classification: Pathogenic. Review status: no assertion criteria provided. Collection method: clinical testing. Allele origin: germline. Affected: yes. Study: VKGL Data-share Consensus. Not counted in ClinVar's aggregate classification.

Genome Diagnostics Laboratory, Amsterdam University Medical Center
Classification: Pathogenic. Review status: no assertion criteria provided. Collection method: clinical testing. Allele origin: germline. Affected: yes. Study: VKGL Data-share Consensus. Not counted in ClinVar's aggregate classification.

Genome Diagnostics Laboratory, University Medical Center Utrecht
Classification: Pathogenic. Review status: no assertion criteria provided. Collection method: clinical testing. Allele origin: germline. Affected: yes. Study: VKGL Data-share Consensus. Not counted in ClinVar's aggregate classification.

Joint Genome Diagnostic Labs from Nijmegen and Maastricht, Radboudumc and MUMC+
Classification: Pathogenic. Review status: no assertion criteria provided. Collection method: clinical testing. Allele origin: germline. Affected: yes. Study: VKGL Data-share Consensus. Not counted in ClinVar's aggregate classification.

Literature cited by the submitters: PubMed 12200379 (cited by Women's Health and Genetics/Laboratory Corporation of America, LabCorp and Labcorp Genetics (formerly Invitae), Labcorp); PubMed 36279417 (cited by Women's Health and Genetics/Laboratory Corporation of America, LabCorp); PubMed 24985406 (cited by Women's Health and Genetics/Laboratory Corporation of America, LabCorp and Labcorp Genetics (formerly Invitae), Labcorp); PubMed 24290284 (cited by Labcorp Genetics (formerly Invitae), Labcorp); PubMed 28783691 (cited by Labcorp Genetics (formerly Invitae), Labcorp); PubMed 2682973 (cited by Labcorp Genetics (formerly Invitae), Labcorp); PubMed 11313270 (cited by Labcorp Genetics (formerly Invitae), Labcorp).